The following is an entry in ClinVar:

NM_032217.5(ANKRD17):c.1188T>A (p.His396Gln)

Gene: ANKRD17 (ankyrin repeat domain 17; minus strand). Cytogenetic location: 4q13.3.
Variant type: single nucleotide variant.
Coding change: c.1188T>A on transcript NM_032217.5 (MANE Select); coding-DNA position 1188, T replaced by A.
Protein change: p.His396Gln; replaces histidine 396 with glutamine.
Molecular consequence: missense variant.
Genome position (GRCh38, 1-based): chr4:73,153,926, A>T on the plus strand (T>A on the coding strand, the complement: ANKRD17 is on the minus strand). VCF-style: chr4-73153926-A-T. GRCh37 (hg19) VCF-style: chr4-74019643-A-T.
Other names: c.849T>A, p.His283Gln (NM_001286771.3); c.1188T>A, p.His396Gln (NM_015574.2, NM_198889.3); short protein forms H283Q, H396Q.
Identifiers: ClinVar variation 3375950 (VCV003375950.1).
Genomic context (GRCh38, chr4:73,153,926, plus strand): 5'-GGTTTATACTGTACCTTTGTAACAAGCTAAGGTAAGGGCACTCTCTTTAAATTCATTAGA[A>T]TGCGTATTAATGCCAGCCCCATTTTCTAGCAGCAATCTGGCTACTTCCACATGTCCAGCA-3'
Protein context (NP_115593.3, residues 386-406): LLENGAGINT[His396Gln]SNEFKESALT

ClinVar aggregate classification (germline): Uncertain significance (1 of 4 stars; one submission).

Submission:

GeneDx
Classification: Uncertain significance. Last evaluated: 2024-05-04. Review status: criteria provided, single submitter. Criteria: GeneDx Variant Classification Process June 2021. Collection method: clinical testing. Allele origin: germline. Affected: yes.
Comment: Not observed at significant frequency in large population cohorts (gnomAD); In silico analysis supports that this missense variant has a deleterious effect on protein structure/function; Has not been previously published as pathogenic or benign to our knowledge